The following is an entry in ClinVar:

ClinVar aggregate classification (germline): Conflicting classifications of pathogenicity. Review status: criteria provided, conflicting classifications (1 of 4 stars). 5 submissions from 5 submitters: Uncertain significance (3); Likely benign (2). Last evaluated 2025-09-08.

Conditions:
Hereditary cancer-predisposing syndrome. Also called: Tumor predisposition; Neoplastic Syndromes, Hereditary; Hereditary Cancer Syndrome; Hereditary neoplastic syndrome. Identifiers: Orphanet 140162, MedGen C0027672, MeSH D009386, MONDO:0015356.
Tuberous sclerosis 2 (TSC2). Identifiers: Orphanet 805, MedGen C1860707, MONDO:0013199, OMIM 613254.

Submissions (5):

Ambry Genetics
Classification: Uncertain significance for Hereditary cancer-predisposing syndrome. Last evaluated: 2025-09-08. Review status: criteria provided, single submitter. Criteria: Ambry Variant Classification Scheme 2023. Collection method: clinical testing. Allele origin: germline.
Comment: The p.K574R variant (also known as c.1721A>G), located in coding exon 16 of the TSC2 gene, results from an A to G substitution at nucleotide position 1721. The lysine at codon 574 is replaced by arginine, an amino acid with highly similar properties. This amino acid position is highly conserved in available vertebrate species. In addition, this alteration is predicted to be deleterious by in silico analysis. Based on the available evidence, the clinical significance of this variant remains unclear.

Labcorp Genetics (formerly Invitae), Labcorp
Classification: Likely benign for Tuberous sclerosis 2. Last evaluated: 2025-08-17. Review status: criteria provided, single submitter. Criteria: Invitae Variant Classification Sherloc (09022015). Collection method: clinical testing. Allele origin: germline.

Quest Diagnostics Nichols Institute San Juan Capistrano
Classification: Uncertain significance. Last evaluated: 2024-01-17. Review status: criteria provided, single submitter. Criteria: Quest Diagnostics criteria. Collection method: clinical testing. Allele origin: unknown.

GeneDx
Classification: Uncertain significance. Last evaluated: 2023-09-28. Review status: criteria provided, single submitter. Criteria: GeneDx Variant Classification Process June 2021. Collection method: clinical testing. Allele origin: germline. Affected: yes.
Comment: Not observed at significant frequency in large population cohorts (gnomAD); In silico analysis supports that this missense variant has a deleterious effect on protein structure/function; In silico analysis supports a deleterious effect on splicing; Has not been previously published as pathogenic or benign to our knowledge

Genome-Nilou Lab
Classification: Likely benign for Tuberous sclerosis 2. Last evaluated: 2021-11-07. Review status: criteria provided, single submitter. Criteria: ACMG Guidelines, 2015. Collection method: clinical testing. Allele origin: germline. Affected: no.

NM_000548.5(TSC2):c.1721A>G (p.Lys574Arg)

Gene: TSC2 (TSC complex subunit 2; plus strand). Cytogenetic location: 16p13.3.
Variant type: single nucleotide variant.
Coding change: c.1721A>G on transcript NM_000548.5 (MANE Select); coding-DNA position 1721, A replaced by G.
Protein change: p.Lys574Arg; replaces lysine 574 with arginine.
Molecular consequence: missense variant.
Genome position (GRCh38, 1-based): chr16:2,070,460, A>G. VCF-style: chr16-2070460-A-G. GRCh37 (hg19) VCF-style: chr16-2120461-A-G.
Other names: c.1721A>G, p.Lys574Arg (NM_001077183.3, NM_001114382.3, NM_001363528.2 and 3 more transcripts); c.1610A>G, p.Lys537Arg (NM_001318827.2); c.1574A>G, p.Lys525Arg (NM_001318829.2); c.1121A>G, p.Lys374Arg (NM_001318831.2); c.1754A>G, p.Lys585Arg (NM_001318832.2); short protein forms K574R, K525R, K537R, K374R, K585R.
Identifiers: ClinVar variation 405989 (VCV000405989.20), dbSNP rs1060500926, ClinGen allele CA16614928.